The following is an entry in ClinVar:

ClinVar aggregate classification (germline): Uncertain significance (1 of 4 stars; one submission).

Conditions:
Myopathy, proximal, and ophthalmoplegia (CMYO6). Also called: CONGENITAL MYOPATHY 6 WITH OPHTHALMOPLEGIA; MYOPATHY WITH CONGENITAL JOINT CONTRACTURES, OPHTHALMOPLEGIA, AND RIMMED VACUOLES; INCLUSION BODY MYOPATHY 3, AUTOSOMAL DOMINANT. Identifiers: Orphanet 363677, Orphanet 79091, MedGen C1854106, MONDO:0011577, OMIM 605637.

Submission:

Labcorp Genetics (formerly Invitae), Labcorp
Classification: Uncertain significance for Myopathy, proximal, and ophthalmoplegia. Last evaluated: 2024-05-06. Review status: criteria provided, single submitter. Criteria: Invitae Variant Classification Sherloc (09022015). Collection method: clinical testing. Allele origin: germline.
Comment: This sequence change replaces glutamine, which is neutral and polar, with histidine, which is basic and polar, at codon 1006 of the MYH2 protein (p.Gln1006His). This variant is not present in population databases (gnomAD no frequency). This variant has not been reported in the literature in individuals affected with MYH2-related conditions. Advanced modeling of protein sequence and biophysical properties (such as structural, functional, and spatial information, amino acid conservation, physicochemical variation, residue mobility, and thermodynamic stability) performed at Invitae indicates that this missense variant is expected to disrupt MYH2 protein function with a positive predictive value of 80%. In summary, the available evidence is currently insufficient to determine the role of this variant in disease. Therefore, it has been classified as a Variant of Uncertain Significance.

NM_017534.6(MYH2):c.3018G>C (p.Gln1006His)

Genes: MYH2 (myosin heavy chain 2; minus strand), MYHAS (myosin heavy chain gene cluster antisense RNA; plus strand). Cytogenetic location: 17p13.1.
Variant type: single nucleotide variant.
Coding change: c.3018G>C on transcript NM_017534.6 (MANE Select); coding-DNA position 3018, G replaced by C.
Protein change: p.Gln1006His; replaces glutamine 1006 with histidine.
Molecular consequence: missense variant.
Genome position (GRCh38, 1-based): chr17:10,529,663, C>G on the plus strand (G>C on the coding strand, the complement: MYH2 is on the minus strand). VCF-style: chr17-10529663-C-G. GRCh37 (hg19) VCF-style: chr17-10432980-C-G.
Other names: c.3018G>C, p.Gln1006His (NM_001100112.2); short protein forms Q1006H.
Identifiers: ClinVar variation 3652419 (VCV003652419.2).